The following is an entry in ClinVar:

ClinVar aggregate classification (germline): Benign. Review status: criteria provided, multiple submitters, no conflicts (2 of 4 stars). 2 submissions from 2 submitters: Benign (2). Last evaluated 2018-06-14.

Allele frequency attached by ClinVar (database versions not stated): 1000 Genomes Project 30x 0.72361; TOPMed 0.72592; 1000 Genomes Project 0.73722; gnomAD 0.73940 and 0.74719; gnomAD exomes 0.85491.
gnomAD v4.1: 421,083 of 511,996 alleles (82%); highest among the groups gnomAD compares: East Asian, 94%; 178,006 homozygotes.

Submissions (2):

GeneDx
Classification: Benign. Last evaluated: 2018-06-14. Review status: criteria provided, single submitter. Criteria: GeneDx Variant Classification (06012015). Collection method: clinical testing. Allele origin: germline. Affected: yes.
Comment: This variant is considered likely benign or benign based on one or more of the following criteria: it is a conservative change, it occurs at a poorly conserved position in the protein, it is predicted to be benign by multiple in silico algorithms, and/or has population frequency not consistent with disease.

Breakthrough Genomics
Classification: Benign. Review status: criteria provided, single submitter. Criteria: ACMG Guidelines, 2015. Collection method: not provided. Allele origin: germline. Inheritance: Autosomal recessive inheritance. Affected: yes.

NM_020191.4(MRPS22):c.649-250T>C

Gene: MRPS22 (mitochondrial ribosomal protein S22; plus strand). Cytogenetic location: 3q23.
Variant type: single nucleotide variant.
Coding change: c.649-250T>C on transcript NM_020191.4 (MANE Select); 250 bases into the intron before coding-DNA position 649, T replaced by C.
Molecular consequence: intron variant.
Genome position (GRCh38, 1-based): chr3:139,350,727, T>C. VCF-style: chr3-139350727-T-C. GRCh37 (hg19) VCF-style: chr3-139069569-T-C.
Other names: c.646-250T>C (NM_001363893.1); c.526-250T>C (NM_001363857.1).
Identifiers: ClinVar variation 678136 (VCV000678136.2), dbSNP rs6776315, ClinGen allele CA11455955.
Genomic context (GRCh38, chr3:139,350,727, plus strand): 5'-TCGCACCCCCCCCCCGCAATCCGACTCCCAAAGTGCTGGGATTACAGGCGTGAGCCACCA[T>C]GCCTGGCCGACTTCTTTCTTAATAGAATCCTCCTTACCACCCAAGATGGGTTGTACTAGG-3'